The following is an entry in ClinVar:

ClinVar aggregate classification (germline): Conflicting classifications of pathogenicity. Review status: criteria provided, conflicting classifications (1 of 4 stars). 15 submissions from 12 submitters: Pathogenic (1); Likely pathogenic (3); Uncertain significance (10); Likely benign (1). Last evaluated 2026-03-17.

Conditions:
Neuropathy, congenital hypomyelinating, 2. Identifiers: MedGen C4722277, MONDO:0020765, OMIM 618184.
MPZ-related disorder. Also called: MPZ-related disorders; MPZ-related condition.
Inborn genetic diseases. Identifiers: MedGen C0950123, MeSH D030342.
Charcot-Marie-Tooth disease. Also called: Charcot-Marie-Tooth Neuropathy; Charcot-Marie-Tooth Hereditary Neuropathy. Identifiers: Orphanet 166, MedGen C0007959, MONDO:0015626.
Charcot-Marie-Tooth disease type 1B. Also called: HEREDITARY MOTOR AND SENSORY NEUROPATHY I; HEREDITARY MOTOR AND SENSORY NEUROPATHY IB; PERONEAL MUSCULAR ATROPHY; CHARCOT-MARIE-TOOTH DISEASE, AUTOSOMAL DOMINANT, WITH FOCALLY FOLDED MYELIN SHEATHS, TYPE 1B; CHARCOT-MARIE-TOOTH DISEASE, SLOW NERVE CONDUCTION TYPE, LINKED TO DUFFY; CHARCOT-MARIE-TOOTH NEUROPATHY, TYPE 1B. Identifiers: Orphanet 101082, MedGen C0270912, MONDO:0007307, OMIM 118200.
Charcot-Marie-Tooth disease dominant intermediate D. Also called: CHARCOT-MARIE-TOOTH NEUROPATHY, DOMINANT INTERMEDIATE D; Charcot-Marie-Tooth disease dominant intermediate 3; CMT DI3. Identifiers: Orphanet 100046, MedGen C1843075, MONDO:0011909, OMIM 607791.
Charcot-Marie-Tooth disease, type I (CMT1). Also called: Charcot-Marie-Tooth, Type 1; Charcot-Marie-Tooth disease type 1. Identifiers: Orphanet 65753, MedGen C0751036, MONDO:0019011.
Roussy-Lévy syndrome. Also called: Roussy Levy hereditary areflexic dystasia; Roussy-Levy disease; Hereditary areflexic dystasia; Roussy-Levy Syndrome. Identifiers: Orphanet 3115, MedGen C0205713, MONDO:0008392, OMIM 180800.

Allele frequency attached by ClinVar (database versions not stated): ExAC 0.00001; gnomAD 0.00001; gnomAD exomes 0.00001; TOPMed 0.00002; ESP Exome Variant Server 0.00015.
gnomAD v4.1: 62 of 1,614,140 alleles (0.0038%); highest among the groups gnomAD compares: Non-Finnish European, 0.005%; no homozygotes.

Submissions 1 to 8 of 15:

PreventionGenetics, part of Exact Sciences
Classification: Uncertain significance for MPZ-related condition. Last evaluated: 2026-03-17. Review status: criteria provided, single submitter. Criteria: ACMG Guidelines, 2015. Collection method: clinical testing. Allele origin: germline.
Comment: The MPZ c.200G>A variant is predicted to result in the amino acid substitution p.Arg67His. This variant has been reported in five individuals with neuropathy, a diagnosis of Charcot-Marie-Tooth disease (CMT) or clinical suspicion of CMT (Table S2, Volodarsky et al. 2021. PubMed ID: 32376792; Table S1, Fridman et al. 2022. PubMed ID: 36203352; Table S3, Antoniadi et al. 2015. PubMed ID: 26392352; Geroldi et al. 2024. 38871447). This variant is reported in 0.0026% of alleles in individuals of European (non-Finnish) descent in gnomAD. This variant has conflicting interpretations in ClinVar ranging from likely benign to pathogenic (Variation ID: 237875). An alternate missense at the same amino acid, p.Arg67Pro, has been reported in two family members with CMT (Hisama. 2005. PubMed ID: 15642860). Although we suspect this variant could be pathogenic, at this time, the clinical significance of this variant is uncertain due to the absence of conclusive functional and genetic evidence.

Labcorp Genetics (formerly Invitae), Labcorp
Classification: Pathogenic for Charcot-Marie-Tooth disease, type I. Last evaluated: 2026-01-04. Review status: criteria provided, single submitter. Criteria: Invitae Variant Classification Sherloc (09022015). Collection method: clinical testing. Allele origin: germline.
Comment: This sequence change replaces arginine, which is basic and polar, with histidine, which is basic and polar, at codon 67 of the MPZ protein (p.Arg67His). This variant is present in population databases (rs201720099, gnomAD 0.003%). This missense change has been observed in individuals with clinical features of Charcot-Marie-Tooth disease (PMID: 26392352, 32376792; internal data). Invitae Evidence Modeling of clinical and family history, age, sex, and reported ancestry of multiple individuals with this MPZ variant has been performed. This variant is expected to be pathogenic with a positive predictive value of at least 99%. This is a validated machine learning model that incorporates the clinical features of 13,236 individuals referred to our laboratory for MPZ testing. ClinVar contains an entry for this variant (Variation ID: 237875). Invitae Evidence Modeling of protein sequence and biophysical properties (such as structural, functional, and spatial information, amino acid conservation, physicochemical variation, residue mobility, and thermodynamic stability) indicates that this missense variant is not expected to disrupt MPZ protein function with a negative predictive value of 80%. This variant disrupts the p.Arg67 amino acid residue in MPZ. Other variant(s) that disrupt this residue have been determined to be pathogenic (PMID: 15642860; internal data). This suggests that this residue is clinically significant, and that variants that disrupt this residue are likely to be disease-causing. For these reasons, this variant has been classified as Pathogenic.

CeGaT Center for Human Genetics Tuebingen
Classification: Likely pathogenic. Last evaluated: 2025-12-01. Review status: criteria provided, single submitter. Criteria: CeGaT Center For Human Genetics Tuebingen Variant Classification Criteria Version 2. Collection method: clinical testing. Allele origin: germline. Affected: yes. Observed: 3 variant alleles.
Comment: MPZ: PM1, PM5, PS4:Moderate, PM2:Supporting, BP4

Women's Health and Genetics/Laboratory Corporation of America, LabCorp
Classification: Likely pathogenic for Charcot-Marie-Tooth disease type 1B. Last evaluated: 2025-11-05. Review status: criteria provided, single submitter. Criteria: LabCorp Variant Classification Summary - May 2015. Collection method: clinical testing. Allele origin: germline.
Comment: Variant summary: MPZ c.200G>A (p.Arg67His) results in a non-conservative amino acid change in the encoded protein sequence. Algorithms developed to predict the effect of missense changes on protein structure and function are either unavailable or do not agree on the potential impact of this missense change. The variant allele was found at a frequency of 1.2e-05 in 251264 control chromosomes. c.200G>A has been observed in individuals affected with Charcot-Marie-Tooth disease (Antoniadi_2015, Volodarsky_2020, Fridman_ 2022, Geroldi_2024, internal data). These data indicate that the variant is likely to be associated with disease. To our knowledge, no experimental evidence demonstrating an impact on protein function has been reported. The following publications have been ascertained in the context of this evaluation (PMID: 26392352, 10399750, 32376792, 36203352, 38871447). ClinVar contains an entry for this variant (Variation ID: 237875). Based on the evidence outlined above, the variant was classified as likely pathogenic.

ARUP Laboratories, Molecular Genetics and Genomics, ARUP Laboratories
Classification: Uncertain significance. Last evaluated: 2025-05-22. Review status: criteria provided, single submitter. Criteria: ARUP Molecular Germline Variant Investigation Process 2024. Collection method: clinical testing. Allele origin: germline.
Comment: The MPZ c.200G>A; p.Arg67His variant (rs201720099, ClinVar Variation ID: 237875) is reported in the literature in individuals affected with Charcot-Marie-Tooth (CMT) disease (Antoniadi 2015, DiVincenzo 2014, Fridman 2023, Volodarsky 2021). This variant is only observed on three alleles in the Genome Aggregation Database (v2.1.1), indicating it is not a common polymorphism. Computational analyses predict that this variant is neutral (REVEL: 0.13). Other amino acid substitutions at this codon (p.Arg67Cys, p.Arg67Pro) have been reported in several families with symptoms of CMT, although the significance of these variants in disease is uncertain due to additional pathogenic variants present in other genes in these families (Hisama 2005, Young 2013). Due to limited information, the clinical significance of the p.Arg67His variant is uncertain at this time. References: Antoniadi T et al. Application of targeted multi-gene panel testing for the diagnosis of inherited peripheral neuropathy provides a high diagnostic yield with unexpected phenotype-genotype variability. BMC Med Genet. 2015 Sep 21;16:84. PMID: 26392352. DiVincenzo C et al. The allelic spectrum of Charcot-Marie-Tooth disease in over 17,000 individuals with neuropathy. Mol Genet Genomic Med. 2014 Nov;2(6):522-9. PMID: 25614874. Fridman V et al. Disease Progression in Charcot-Marie-Tooth Disease Related to MPZ Mutations: A Longitudinal Study. Ann Neurol. 2023 Mar;93(3):563-576. PMID: 36203352. Hisama FM. Familial periodic paralysis and Charcot-Marie-Tooth disease in a 7-generation family. Arch Neurol. 2005 Jan;62(1):135-8. PMID: 15642860. Volodarsky M et al. Comprehensive genetic sequence and copy number analysis for Charcot-Marie-Tooth disease in a Canadian cohort of 2517 patients. J Med Genet. 2021 Apr;58(4):284-288. PMID: 32376792. Young T et al. Compound Charcot-Marie-Tooth disease: a kindred with severe hereditary neuropathy, pupil abnormalities and a novel MPZ mutation. J Neurol Neurosurg Psychiatry. 2013 Feb;84(2):234-6. PMID: 23197742.

Athena Diagnostics
Classification: Likely pathogenic. Last evaluated: 2024-10-15. Review status: criteria provided, single submitter. Criteria: Athena Diagnostics Criteria. Collection method: clinical testing. Allele origin: unknown.
Comment: The frequency of this variant in the general population is consistent with pathogenicity. Additionally, in our internal patient population, this variant is statistically more frequent than in the general population. This variant has been identified in multiple individuals with clinical features of Charcot-Marie-Tooth disease, including some with a mild clinical presentation. This variant occurs as the most likely explanation for disease in a significant number of internal cases, suggesting this variant is associated with disease. Polyphen and MutationTaster yielded discordant predictions regarding whether this amino acid change is damaging to the protein. The variant is located in a region that is considered important for protein function and/or structure.

Blueprint Genetics
Classification: Uncertain significance. Last evaluated: 2024-02-15. Review status: criteria provided, single submitter. Criteria: ACMG Guidelines, 2015. Collection method: clinical testing. Allele origin: germline.

Ambry Genetics
Classification: Uncertain significance for Inborn genetic diseases. Last evaluated: 2023-12-18. Review status: criteria provided, single submitter. Criteria: Ambry Variant Classification Scheme 2023. Collection method: clinical testing. Allele origin: germline.

NM_000530.8(MPZ):c.200G>A (p.Arg67His)

Gene: MPZ (myelin protein zero; minus strand). Cytogenetic location: 1q23.3.
Variant type: single nucleotide variant.
Coding change: c.200G>A on transcript NM_000530.8 (MANE Select); coding-DNA position 200, G replaced by A.
Protein change: p.Arg67His; replaces arginine 67 with histidine.
Molecular consequence: missense variant.
Genome position (GRCh38, 1-based): chr1:161,307,292, C>T on the plus strand (G>A on the coding strand, the complement: MPZ is on the minus strand). VCF-style: chr1-161307292-C-T. GRCh37 (hg19) VCF-style: chr1-161277082-C-T.
Other names: p.Arg67His; c.200G>A (LRG_256t1); c.200G>A, p.Arg67His (NM_001315491.2); short protein forms R67H.
Identifiers: ClinVar variation 237875 (VCV000237875.51), dbSNP rs201720099, ClinGen allele CA1210217.